The following is an entry in ClinVar:

NM_015466.4(PTPN23):c.2573C>T (p.Ala858Val)

Gene: PTPN23 (protein tyrosine phosphatase non-receptor type 23; plus strand). Cytogenetic location: 3p21.31.
Variant type: single nucleotide variant.
Coding change: c.2573C>T on transcript NM_015466.4 (MANE Select); coding-DNA position 2573, C replaced by T.
Protein change: p.Ala858Val; replaces alanine 858 with valine.
Molecular consequence: missense variant.
Genome position (GRCh38, 1-based): chr3:47,410,371, C>T. VCF-style: chr3-47410371-C-T. GRCh37 (hg19) VCF-style: chr3-47451861-C-T.
Other names: c.2195C>T, p.Ala732Val (NM_001304482.2); short protein forms A858V, A732V.
Identifiers: ClinVar variation 1355233 (VCV001355233.6), dbSNP rs942663224, ClinGen allele CA352559452.
Genomic context (GRCh38, chr3:47,410,371, plus strand): 5'-CCCCACAGCATGGCGTGGTGAGCAGTCCCTATGTGGGGGTAGGGCCGGCCCCACCAGTTG[C>T]AGGTCTCCCCTCGGCCCCACCTCCTCAATTCTCAGGCCCCGAGTTGGCCATGGCGGTTCG-3'
Protein context (NP_056281.1, residues 848-868): YVGVGPAPPV[Ala858Val]GLPSAPPPQF

ClinVar aggregate classification (germline): Uncertain significance (1 of 4 stars; one submission).

Allele frequency attached by ClinVar (database versions not stated): gnomAD exomes below 0.00001; TOPMed below 0.00001.
gnomAD v4.1: 3 of 1,610,634 alleles (0.00019%); highest among the groups gnomAD compares: African/African-American, 0.0013%; no homozygotes.

Submission:

Labcorp Genetics (formerly Invitae), Labcorp
Classification: Uncertain significance. Last evaluated: 2024-01-08. Review status: criteria provided, single submitter. Criteria: Invitae Variant Classification Sherloc (09022015). Collection method: clinical testing. Allele origin: germline.
Comment: This sequence change replaces alanine, which is neutral and non-polar, with valine, which is neutral and non-polar, at codon 858 of the PTPN23 protein (p.Ala858Val). This variant is not present in population databases (gnomAD no frequency). This variant has not been reported in the literature in individuals affected with PTPN23-related conditions. ClinVar contains an entry for this variant (Variation ID: 1355233). Algorithms developed to predict the effect of missense changes on protein structure and function output the following: SIFT: "Not Available"; PolyPhen-2: "Not Available"; Align-GVGD: "Not Available". The valine amino acid residue is found in multiple mammalian species, which suggests that this missense change does not adversely affect protein function. In summary, the available evidence is currently insufficient to determine the role of this variant in disease. Therefore, it has been classified as a Variant of Uncertain Significance.